The following is an entry in ClinVar:

NM_001018115.3(FANCD2):c.2361T>G (p.Phe787Leu)

Genes: FANCD2 (FA complementation group D2; plus strand), LOC107303338 (3p25 FANCD2 Alu-mediated recombination region; plus strand). Cytogenetic location: 3p25.3.
Variant type: single nucleotide variant.
Coding change: c.2361T>G on transcript NM_001018115.3 (MANE Select); coding-DNA position 2361, T replaced by G.
Protein change: p.Phe787Leu; replaces phenylalanine 787 with leucine.
Molecular consequence: missense variant.
Genome position (GRCh38, 1-based): chr3:10,065,955, T>G. VCF-style: chr3-10065955-T-G. GRCh37 (hg19) VCF-style: chr3-10107639-T-G.
Other names: c.2361T>G, p.Phe787Leu (NM_001319984.2, NM_001374254.1, NM_033084.6); c.2250T>G, p.Phe750Leu (NM_001374253.1); c.2361T>G (NM_033084.3); short protein forms F750L, F787L.
Identifiers: ClinVar variation 1224544 (VCV001224544.3), dbSNP rs765365413, ClinGen allele CA2250046.
Genomic context (GRCh38, chr3:10,065,955, plus strand): 5'-TGGAGAGAAGTTGGAGTCCATGTCTGCTAAAGAGCGTTCATTCATGTGTTCTCTCATATT[T>G]CTTACTCTCAACTGGTTCCGAGAGGTGAGCAGAGTTAATAGGATGTTTCACTTATTGTGC-3'
Protein context (NP_001018125.1, residues 777-797): KERSFMCSLI[Phe787Leu]LTLNWFREIV

ClinVar aggregate classification (germline): Uncertain significance. Review status: criteria provided, multiple submitters, no conflicts (2 of 4 stars). 2 submissions from 2 submitters: Uncertain significance (2). Last evaluated 2021-07-13.

Conditions:
Fanconi anemia (FA). Also called: Fanconi's anemia. Identifiers: Orphanet 84, MedGen C0015625, MeSH D005199, MONDO:0019391.

Allele frequency attached by ClinVar (database versions not stated): gnomAD 0.00001; ExAC 0.00002; gnomAD exomes 0.00002 and 0.00003.
gnomAD v4.1: 31 of 1,610,934 alleles (0.0019%); highest among the groups gnomAD compares: South Asian, 0.031%; 1 homozygote.

Submissions (2):

Sema4
Classification: Uncertain significance for Fanconi anemia. Last evaluated: 2021-07-13. Review status: criteria provided, single submitter. Criteria: Sema4 Curation Guidelines. Collection method: curation. Allele origin: germline.
Comment: The FANCD2 c.2361T>G (p.F787L) variant has not been reported in the literature to our knowledge. It was observed in 7/30606 chromosomes of the South Asian subpopulation in the large and broad cohorts of the Genome Aggregation Database. The variant has not been reported in ClinVar. Functional studies have not been performed and in silico tool predictions of the variant's effect on protein function are inconclusive. The evidence is insufficient to meet ACMG/AMP criteria for classifying the variant as benign or pathogenic. Thus, the clinical significance of this variant is currently uncertain.

Dept. of Cytogenetics, ICMR- National Institute of Immunohaematology
Classification: Uncertain significance for Fanconi anemia. Review status: criteria provided, single submitter. Criteria: ACMG Guidelines, 2015. Collection method: clinical testing. Allele origin: germline. Affected: yes. Observed: 1 variant allele.